The following is an entry in ClinVar:

ClinVar aggregate classification (germline): Uncertain significance (1 of 4 stars; one submission).

Allele frequency attached by ClinVar (database versions not stated): ExAC 0.00001; gnomAD 0.00001; TOPMed 0.00002.
gnomAD v4.1: 39 of 1,614,048 alleles (0.0024%); highest among the groups gnomAD compares: Non-Finnish European, 0.0032%; no homozygotes.

Submission:

Labcorp Genetics (formerly Invitae), Labcorp
Classification: Uncertain significance. Last evaluated: 2024-11-19. Review status: criteria provided, single submitter. Criteria: Invitae Variant Classification Sherloc (09022015). Collection method: clinical testing. Allele origin: germline.
Comment: This sequence change replaces histidine, which is basic and polar, with leucine, which is neutral and non-polar, at codon 599 of the GHR protein (p.His599Leu). This variant is present in population databases (rs755252595, gnomAD 0.0009%). This variant has not been reported in the literature in individuals affected with GHR-related conditions. ClinVar contains an entry for this variant (Variation ID: 1358853). Invitae Evidence Modeling of protein sequence and biophysical properties (such as structural, functional, and spatial information, amino acid conservation, physicochemical variation, residue mobility, and thermodynamic stability) indicates that this missense variant is not expected to disrupt GHR protein function with a negative predictive value of 80%. In summary, the available evidence is currently insufficient to determine the role of this variant in disease. Therefore, it has been classified as a Variant of Uncertain Significance.

NM_000163.5(GHR):c.1796A>T (p.His599Leu)

Gene: GHR (growth hormone receptor; plus strand). Cytogenetic location: 5p12.
Variant type: single nucleotide variant.
Coding change: c.1796A>T on transcript NM_000163.5 (MANE Select); coding-DNA position 1796, A replaced by T.
Protein change: p.His599Leu; replaces histidine 599 with leucine.
Molecular consequence: missense variant. On other transcripts: 3 prime UTR variant (1).
Genome position (GRCh38, 1-based): chr5:42,719,303, A>T. VCF-style: chr5-42719303-A-T. GRCh37 (hg19) VCF-style: chr5-42719405-A-T.
Other names: c.1817A>T, p.His606Leu (NM_001242399.2); c.1796A>T, p.His599Leu (NM_001242400.2, NM_001242401.4, NM_001242402.2 and 4 more transcripts); c.1730A>T, p.His577Leu (NM_001242460.2); c.*838A>T (NM_001242462.1); short protein forms H599L, H577L, H606L.
Identifiers: ClinVar variation 1358853 (VCV001358853.7), dbSNP rs755252595, ClinGen allele CA3254710.